The following is an entry in ClinVar:

ClinVar aggregate classification (germline): Uncertain significance. Review status: criteria provided, single submitter (1 of 4 stars). 2 submissions from 2 submitters: Uncertain significance (1). 1 of the submissions does not count toward it. Last evaluated 2021-12-01.

Conditions:
MADD-related disorder. Also called: MADD-Related Disorders; MADD-related condition.

Allele frequency attached by ClinVar (database versions not stated): ESP Exome Variant Server 0.00015; 1000 Genomes Project 30x 0.00109; 1000 Genomes Project 0.00120.
gnomAD v4.1: 967 of 1,614,108 alleles (0.06%); highest among the groups gnomAD compares: South Asian, 0.7%; 11 homozygotes.

Submissions (2):

Revvity Omics, Revvity
Classification: Uncertain significance. Last evaluated: 2021-12-01. Review status: criteria provided, single submitter. Criteria: ACMG Guidelines, 2015. Collection method: clinical testing. Allele origin: germline.

PreventionGenetics, part of Exact Sciences
Classification: Likely benign for MADD-related condition. Last evaluated: 2019-08-01. Review status: no assertion criteria provided. Collection method: clinical testing. Allele origin: germline. Not counted in ClinVar's aggregate classification.
Comment: This variant is classified as likely benign based on ACMG/AMP sequence variant interpretation guidelines (Richards et al. 2015 PMID: 25741868, with internal and published modifications).

NM_001376571.1(MADD):c.4887G>T (p.Ser1629=)

Gene: MADD (MAP kinase activating death domain; plus strand). Cytogenetic location: 11p11.2.
Variant type: single nucleotide variant.
Coding change: c.4887G>T on transcript NM_001376571.1 (MANE Select); coding-DNA position 4887, G replaced by T.
Protein change: p.Ser1629=; no amino-acid change (serine 1629 retained).
Molecular consequence: synonymous variant. On other transcripts: 3 prime UTR variant (44), non-coding transcript variant (8).
Genome position (GRCh38, 1-based): chr11:47,329,084, G>T. VCF-style: chr11-47329084-G-T. GRCh37 (hg19) VCF-style: chr11-47350635-G-T.
Other names: c.4878G>T (NM_003682.3); c.4569G>T, p.Ser1523= (NM_001135943.2); c.4560G>T, p.Ser1520= (NM_001135944.2, NM_001376618.1, NM_001376619.1 and 2 more transcripts); c.4875G>T, p.Ser1625= (NM_001376572.1); c.4866G>T, p.Ser1622= (NM_001376573.1); c.4833G>T, p.Ser1611= (NM_001376574.1); c.4827G>T, p.Ser1609= (NM_001376575.1); c.4815G>T, p.Ser1605= (NM_001376576.1, NM_001376577.1); and 33 more.
Identifiers: ClinVar variation 2433600 (VCV002433600.5), dbSNP rs184207033, ClinGen allele CA5975330.